The following is an entry in ClinVar:

NM_016955.4(SEPSECS):c.1043del (p.Leu348fs)

Gene: SEPSECS (Sep (O-phosphoserine) tRNA:Sec (selenocysteine) tRNA synthase; minus strand). Cytogenetic location: 4p15.2.
Variant type: Deletion.
Coding change: c.1043del on transcript NM_016955.4 (MANE Select); coding-DNA position 1043, one base deleted (T; older notation c.1043delT).
Protein change: p.Leu348fs; shifts the reading frame from leucine 348.
Molecular consequence: frameshift variant.
Genome position (GRCh38, 1-based): chr4:25,127,341, A deleted on the plus strand (T on the coding strand, the reverse complement: SEPSECS is on the minus strand); the first of 3 consecutive A bases (chr4:25,127,341-25,127,343); deleting any one gives the same sequence. VCF-style (leftmost placement, unchanged base first): chr4-25127340-CA-C. GRCh37 (hg19) VCF-style: chr4-25128962-CA-C.
Other names: c.1298del, p.Leu433fs (NM_001410714.1); c.1041delT, p.Leu348Cysfs (NM_153825.2); short protein forms L348fs, L433fs.
Identifiers: ClinVar variation 2771302 (VCV002771302.3), dbSNP rs1419508373, ClinGen allele CA550286165.

ClinVar aggregate classification (germline): Pathogenic (1 of 4 stars; one submission).

Submission:

Labcorp Genetics (formerly Invitae), Labcorp
Classification: Pathogenic. Last evaluated: 2023-10-23. Review status: criteria provided, single submitter. Criteria: Invitae Variant Classification Sherloc (09022015). Collection method: clinical testing. Allele origin: germline.
Comment: This sequence change creates a premature translational stop signal (p.Leu348Cysfs*5) in the SEPSECS gene. It is expected to result in an absent or disrupted protein product. Loss-of-function variants in SEPSECS are known to be pathogenic (PMID: 25558065, 25590979, 26115735). This variant is present in population databases (no rsID available, gnomAD 0.003%). This variant has not been reported in the literature in individuals affected with SEPSECS-related conditions. For these reasons, this variant has been classified as Pathogenic.

Literature cited by the submitters: PubMed 25558065; PubMed 25590979; PubMed 26115735.